The following is an entry in ClinVar:

ClinVar aggregate classification (germline): Benign. Review status: criteria provided, multiple submitters, no conflicts (2 of 4 stars). 8 submissions from 8 submitters: Benign (6). 2 of the submissions do not count toward it. Last evaluated 2026-02-04.

Conditions:
Retinitis pigmentosa (RP). Identifiers: Orphanet 791, MedGen C0035334, MeSH D012174, MONDO:0019200, OMIM 268000. Inheritance: Autosomal dominant, autosomal recessive and X linked inheritance.
Retinitis pigmentosa 11 (RP11). Identifiers: Orphanet 791, MedGen C1838601, MONDO:0010828, OMIM 600138.

Allele frequency attached by ClinVar (database versions not stated): 1000 Genomes Project 30x 0.75422; TOPMed 0.78945.

Submissions (8):

Labcorp Genetics (formerly Invitae), Labcorp
Classification: Benign. Last evaluated: 2026-02-04. Review status: criteria provided, single submitter. Criteria: Invitae Variant Classification Sherloc (09022015). Collection method: clinical testing. Allele origin: germline.

ARUP Laboratories, Molecular Genetics and Genomics, ARUP Laboratories
Classification: Benign for Retinitis pigmentosa 11. Last evaluated: 2023-11-29. Review status: criteria provided, single submitter. Criteria: ARUP Molecular Germline Variant Investigation Process 2024. Collection method: clinical testing. Allele origin: germline.

Illumina Laboratory Services, Illumina
Classification: Benign for Retinitis pigmentosa. Last evaluated: 2018-01-12. Review status: criteria provided, single submitter. Criteria: ICSL Variant Classification Criteria 13 December 2019. Collection method: clinical testing. Allele origin: germline.
Comment: This variant was observed in the ICSL laboratory as part of a predisposition screen in an ostensibly healthy population. It had not been previously curated by ICSL or reported in the Human Gene Mutation Database (HGMD: prior to June 1st, 2018), and was therefore a candidate for classification through an automated scoring system. Utilizing variant allele frequency, disease prevalence and penetrance estimates, and inheritance mode, an automated score was calculated to assess if this variant is too frequent to cause the disease. Based on the score and internal cut-off values, a variant classified as benign is not then subjected to further curation. The score for this variant resulted in a classification of benign for this disease.

Eurofins Ntd Llc (ga)
Classification: Benign. Last evaluated: 2015-10-08. Review status: criteria provided, single submitter. Criteria: EGL Classification Definitions 2015. Collection method: clinical testing. Allele origin: germline. Observed: 6 variant alleles, 2 heterozygotes, 4 homozygotes.

GeneDx
Classification: Benign. Last evaluated: 2015-03-03. Review status: criteria provided, single submitter. Criteria: GeneDx Variant Classification Process June 2021. Collection method: clinical testing. Allele origin: germline. Affected: yes.

Breakthrough Genomics
Classification: Benign. Review status: criteria provided, single submitter. Criteria: ACMG Guidelines, 2015. Collection method: not provided. Allele origin: germline. Inheritance: Autosomal dominant inheritance. Affected: yes.

Diagnostic Laboratory, Department of Genetics, University Medical Center Groningen
Classification: Benign. Review status: no assertion criteria provided. Collection method: clinical testing. Allele origin: germline. Affected: yes. Study: VKGL Data-share Consensus. Not counted in ClinVar's aggregate classification.

Joint Genome Diagnostic Labs from Nijmegen and Maastricht, Radboudumc and MUMC+
Classification: Benign. Review status: no assertion criteria provided. Collection method: clinical testing. Allele origin: germline. Affected: yes. Study: VKGL Data-share Consensus. Not counted in ClinVar's aggregate classification.

NM_015629.4(PRPF31):c.1147-9=

Gene: PRPF31 (pre-mRNA processing factor 31; plus strand). Cytogenetic location: 19q13.42.
Variant type: single nucleotide variant.
Coding change: c.1147-9= on transcript NM_015629.4 (MANE Select); 9 bases into the intron before coding-DNA position 1147, no change from the reference sequence.
Molecular consequence: intron variant.
Genome position: GRCh38 VCF-style: chr19-54129048-C-C. GRCh37 (hg19) VCF-style: chr19-54632423-T-C.
Identifiers: ClinVar variation 167537 (VCV000167537.32), dbSNP rs655240.